The following is an entry in ClinVar:

ClinVar aggregate classification (germline): Pathogenic/Likely pathogenic. Review status: criteria provided, multiple submitters, no conflicts (2 of 4 stars). 3 submissions from 3 submitters: Pathogenic (1); Likely pathogenic (2). Last evaluated 2026-03-05.

Conditions:
NADSYN1-related disorder. Also called: NADSYN1-related condition.
Vertebral, cardiac, renal, and limb defects syndrome 3. Also called: CONGENITAL NAD DEFICIENCY DISORDER 3. Identifiers: MedGen C5394250, MONDO:0030077, OMIM 618845.

Allele frequency attached by ClinVar (database versions not stated): TOPMed 0.00002; gnomAD 0.00003; gnomAD exomes 0.00004; ESP Exome Variant Server 0.00008; ExAC 0.00014.

Submissions (3):

PreventionGenetics, part of Exact Sciences
Classification: Likely pathogenic for NADSYN1-related condition. Last evaluated: 2026-03-05. Review status: criteria provided, single submitter. Criteria: ACMG Guidelines, 2015. Collection method: clinical testing. Allele origin: germline.
Comment: The NADSYN1 c.1459C>T variant is predicted to result in premature protein termination (p.Arg487*). This variant has been reported in the compound heterozygous state in a child with nicotinamide adenine dinucleotide (NAD) deficiency disorder (F10, Szot et al. 2024. PubMed ID: 38357931). This variant is reported in 0.0090% of alleles in individuals of European (Non-Finnish) descent in gnomAD. Nonsense variants in NADSYN1 are expected to be pathogenic. This variant is interpreted as likely pathogenic.

Embryology Laboratory, Victor Chang Cardiac Research Institute
Classification: Pathogenic for Vertebral, cardiac, renal, and limb defects syndrome 3. Last evaluated: 2023-05-10. Review status: criteria provided, single submitter. Criteria: ACMG Guidelines, 2015. Collection method: research. Allele origin: maternal. Inheritance: Autosomal recessive inheritance. Affected: yes. Observed: 1 compound heterozygote.
Comment: This variant was found in compound heterozygosity with the pathogenic variant c.1717G>A.

HudsonAlpha Institute for Biotechnology
Classification: Likely pathogenic for Vertebral, cardiac, renal, and limb defects syndrome 3. Last evaluated: 2020-12-15. Review status: criteria provided, single submitter. Criteria: ACMG Guidelines, 2015. Collection method: research. Allele origin: paternal. Affected: yes. Observed: 1 variant allele. Study: CSER-SouthSeq.
Comment: ACMG codes:PVS1, PM2

Literature cited by the submitters: PubMed 38357931 (cited by Embryology Laboratory, Victor Chang Cardiac Research Institute).

NM_018161.5(NADSYN1):c.1459C>T (p.Arg487Ter)

Gene: NADSYN1 (NAD synthetase 1; plus strand). Cytogenetic location: 11q13.4.
Variant type: single nucleotide variant.
Coding change: c.1459C>T on transcript NM_018161.5 (MANE Select); coding-DNA position 1459, C replaced by T.
Protein change: p.Arg487Ter; replaces arginine 487 with a stop codon.
Molecular consequence: nonsense.
Genome position (GRCh38, 1-based): chr11:71,485,545, C>T. VCF-style: chr11-71485545-C-T. GRCh37 (hg19) VCF-style: chr11-71196591-C-T.
Other names: short protein forms R487*.
Identifiers: ClinVar variation 998169 (VCV000998169.5), dbSNP rs368115694, ClinGen allele CA6163510.